The following is an entry in ClinVar:

ClinVar aggregate classification (germline): Likely benign (1 of 4 stars; one submission).

Submission:

CeGaT Center for Human Genetics Tuebingen
Classification: Likely benign. Last evaluated: 2026-04-01. Review status: criteria provided, single submitter. Criteria: CeGaT Center For Human Genetics Tuebingen Variant Classification Criteria Version 2. Collection method: clinical testing. Allele origin: germline. Affected: yes. Observed: 2 variant alleles.
Comment: IRF2BPL: BP4, BP7

NM_024496.4(IRF2BPL):c.288G>T (p.Ala96=)

Genes: IRF2BPL (interferon regulatory factor 2 binding protein like; minus strand), LOC107984638 (uncharacterized LOC107984638; plus strand). Cytogenetic location: 14q24.3.
Variant type: single nucleotide variant.
Coding change: c.288G>T on transcript NM_024496.4 (MANE Select); coding-DNA position 288, G replaced by T.
Protein change: p.Ala96=; no amino-acid change (alanine 96 retained).
Molecular consequence: synonymous variant.
Genome position (GRCh38, 1-based): chr14:77,027,505, C>A on the plus strand (G>T on the coding strand, the complement: IRF2BPL is on the minus strand). VCF-style: chr14-77027505-C-A. GRCh37 (hg19) VCF-style: chr14-77493848-C-A.
Identifiers: ClinVar variation 3257058 (VCV003257058.17).